The following is an entry in ClinVar:

ClinVar aggregate classification (germline): Uncertain significance (1 of 4 stars; one submission).

Submission:

Labcorp Genetics (formerly Invitae), Labcorp
Classification: Uncertain significance. Last evaluated: 2022-03-04. Review status: criteria provided, single submitter. Criteria: Invitae Variant Classification Sherloc (09022015). Collection method: clinical testing. Allele origin: germline.
Comment: This sequence change replaces serine, which is neutral and polar, with glycine, which is neutral and non-polar, at codon 322 of the POC1A protein (p.Ser322Gly). This variant is not present in population databases (gnomAD no frequency). This variant has not been reported in the literature in individuals affected with POC1A-related conditions. Algorithms developed to predict the effect of missense changes on protein structure and function output the following: SIFT: "Not Available"; PolyPhen-2: "Benign"; Align-GVGD: "Not Available". The glycine amino acid residue is found in multiple mammalian species, which suggests that this missense change does not adversely affect protein function. In summary, the available evidence is currently insufficient to determine the role of this variant in disease. Therefore, it has been classified as a Variant of Uncertain Significance.

NM_015426.5(POC1A):c.964A>G (p.Ser322Gly)

Gene: POC1A (POC1 centriolar protein A; minus strand). Cytogenetic location: 3p21.2.
Variant type: single nucleotide variant.
Coding change: c.964A>G on transcript NM_015426.5 (MANE Select); coding-DNA position 964, A replaced by G.
Protein change: p.Ser322Gly; replaces serine 322 with glycine.
Molecular consequence: missense variant.
Genome position (GRCh38, 1-based): chr3:52,122,396, T>C on the plus strand (A>G on the coding strand, the complement: POC1A is on the minus strand). VCF-style: chr3-52122396-T-C. GRCh37 (hg19) VCF-style: chr3-52156412-T-C.
Other names: c.964A>G, p.Ser322Gly (NM_001161580.2); c.850A>G, p.Ser284Gly (NM_001161581.2); short protein forms S322G, S284G.
Identifiers: ClinVar variation 2095489 (VCV002095489.4), dbSNP rs2470841454, ClinGen allele CA353055535.
Genomic context (GRCh38, chr3:52,122,396, plus strand): 5'-ACCAGAGTCACAGAGCTCAGGACATGCCTGCCAAGCCACTTACCAGATTCCCCATGGAGC[T>C]GGCCAGTGTGGCTGGGGGCCTCGGCACTTTCGTGACTTCTCCATGATCAACAATATCAAA-3'
Protein context (NP_056241.3, residues 312-332): KVPRPPATLA[Ser322Gly]SMGNLPEVDF